The following is an entry in ClinVar:

ClinVar aggregate classification (germline): Likely benign (0 of 4 stars; one submission).

Conditions:
CTBP2-related disorder. Also called: CTBP2-related condition.

gnomAD v4.1: 1 of 1,613,656 alleles (0.000062%); highest among the groups gnomAD compares: East Asian, 0.0022%; no homozygotes.

Submission:

PreventionGenetics, part of Exact Sciences
Classification: Likely benign for CTBP2-related condition. Last evaluated: 2019-04-01. Review status: no assertion criteria provided. Collection method: clinical testing. Allele origin: germline.
Comment: This variant is classified as likely benign based on ACMG/AMP sequence variant interpretation guidelines (Richards et al. 2015 PMID: 25741868, with internal and published modifications).

NM_001329.4(CTBP2):c.58+11702A>C

Gene: CTBP2 (C-terminal binding protein 2; minus strand). Cytogenetic location: 10q26.13.
Variant type: single nucleotide variant.
Coding change: c.58+11702A>C on transcript NM_001329.4 (MANE Select); 11702 bases into the intron after coding-DNA position 58, A replaced by C.
Molecular consequence: intron variant. On other transcripts: synonymous variant (1).
Genome position (GRCh38, 1-based): chr10:125,027,295, T>G on the plus strand (A>C on the coding strand, the complement: CTBP2 is on the minus strand). VCF-style: chr10-125027295-T-G. GRCh37 (hg19) VCF-style: chr10-126715864-T-G.
Other names: c.465A>C, p.Ser155= (NM_022802.3); c.58+11702A>C (NM_001083914.3, NM_001290214.3, NM_001321012.2 and 3 more transcripts).
Identifiers: ClinVar variation 3352964 (VCV003352964.1).
Genomic context (GRCh38, chr10:125,027,295, plus strand): 5'-CTGAGGGATCATTTTACCTCCAGGATCCCGGTACAGGTGACCGGCGTCCTGCAGGGCAGG[T>G]GACCGGCCTTGCATTGGATCCCATGACGTTCTGCTGCCAAGCACTCCGTAGCTGGGGACC-3'